The following is an entry in ClinVar:

ClinVar aggregate classification (germline): Uncertain significance. Review status: criteria provided, multiple submitters, no conflicts (2 of 4 stars). 2 submissions from 2 submitters: Uncertain significance (2). Last evaluated 2025-04-12.

Conditions:
Alopecia-intellectual disability syndrome 1. Also called: AMR SYNDROME. Identifiers: MedGen C1859878, MONDO:0021035, OMIM 203650.

Allele frequency attached by ClinVar (database versions not stated): TOPMed below 0.00001; ExAC 0.00001; gnomAD exomes 0.00002 and 0.00003; gnomAD 0.00001.

Submissions (2):

Ambry Genetics
Classification: Uncertain significance. Last evaluated: 2025-04-12. Review status: criteria provided, single submitter. Criteria: Ambry Variant Classification Scheme 2023. Collection method: clinical testing. Allele origin: germline.

Baylor Genetics
Classification: Uncertain significance for Alopecia-intellectual disability syndrome 1. Last evaluated: 2018-04-23. Review status: criteria provided, single submitter. Criteria: ACMG Guidelines, 2015. Collection method: clinical testing. Allele origin: unknown. Affected: yes.
Comment: This variant was determined to be of uncertain significance according to ACMG Guidelines, 2015 [PMID:25741868].

NM_001622.4(AHSG):c.1024G>A (p.Val342Met)

Gene: AHSG (alpha 2-HS glycoprotein; plus strand). Cytogenetic location: 3q27.3.
Variant type: single nucleotide variant.
Coding change: c.1024G>A on transcript NM_001622.4 (MANE Select); coding-DNA position 1024, G replaced by A.
Protein change: p.Val342Met; replaces valine 342 with methionine.
Molecular consequence: missense variant.
Genome position (GRCh38, 1-based): chr3:186,620,850, G>A. VCF-style: chr3-186620850-G-A. GRCh37 (hg19) VCF-style: chr3-186338639-G-A.
Other names: c.940G>A, p.Val314Met (NM_001354573.2); c.1027G>A, p.Val343Met (NM_001354571.2); c.1021G>A, p.Val341Met (NM_001354572.2); short protein forms V314M, V343M, V341M, V342M.
Identifiers: ClinVar variation 1032762 (VCV001032762.2), dbSNP rs746165143, ClinGen allele CA2745092.